The following is an entry in ClinVar:

NM_000373.4(UMPS):c.*3130C>T

Gene: UMPS (uridine monophosphate synthetase; plus strand). Cytogenetic location: 3q21.2.
Variant type: single nucleotide variant.
Coding change: c.*3130C>T on transcript NM_000373.4 (MANE Select); 3130 bases downstream of the stop codon, C replaced by T.
Molecular consequence: 3 prime UTR variant. On other transcripts: non-coding transcript variant (2).
Genome position (GRCh38, 1-based): chr3:124,747,214, C>T. VCF-style: chr3-124747214-C-T. GRCh37 (hg19) VCF-style: chr3-124466061-C-T.
Identifiers: ClinVar variation 342996 (VCV000342996.5), dbSNP rs374728245, ClinGen allele CA2582093.

ClinVar aggregate classification (germline): Likely benign (1 of 4 stars; one submission).

Conditions:
Oroticaciduria. Also called: Orotic aciduria. Identifiers: Orphanet 30, MedGen C0268128, HP:0003218.

Allele frequency attached by ClinVar (database versions not stated): TOPMed 0.00009; gnomAD 0.00030 and 0.00003; 1000 Genomes Project 0.00160; gnomAD exomes 0.00172 and 0.00144; ExAC 0.00590; 1000 Genomes Project 30x 0.00141.
gnomAD v4.1: 554 of 453,070 alleles (0.12%); highest among the groups gnomAD compares: South Asian, 0.8%; 3 homozygotes.

Submission:

Illumina Laboratory Services, Illumina
Classification: Likely benign for Hereditary orotic aciduria. Last evaluated: 2018-01-13. Review status: criteria provided, single submitter. Criteria: ICSL Variant Classification Criteria 13 December 2019. Collection method: clinical testing. Allele origin: germline.
Comment: This variant was observed in the ICSL laboratory as part of a predisposition screen in an ostensibly healthy population. It had not been previously curated by ICSL or reported in the Human Gene Mutation Database (HGMD: prior to June 1st, 2018), and was therefore a candidate for classification through an automated scoring system. Utilizing variant allele frequency, disease prevalence and penetrance estimates, and inheritance mode, an automated score was calculated to assess if this variant is too frequent to cause the disease. Based on the score and internal cut-off values, a variant classified as likely benign is not then subjected to further curation. The score for this variant resulted in a classification of likely benign for this disease.